The following is an entry in ClinVar:

NM_000465.4(BARD1):c.921T>C (p.Tyr307=)

Gene: BARD1 (BRCA1 associated RING domain 1; minus strand). Cytogenetic location: 2q35.
Variant type: single nucleotide variant.
Coding change: c.921T>C on transcript NM_000465.4 (MANE Select); coding-DNA position 921, T replaced by C.
Protein change: p.Tyr307=; no amino-acid change (tyrosine 307 retained).
Molecular consequence: synonymous variant. On other transcripts: non-coding transcript variant (2), intron variant (3).
Genome position (GRCh38, 1-based): chr2:214,780,953, A>G on the plus strand (T>C on the coding strand, the complement: BARD1 is on the minus strand). VCF-style: chr2-214780953-A-G. GRCh37 (hg19) VCF-style: chr2-215645677-A-G.
Other names: c.864T>C, p.Tyr288= (NM_001282543.2); c.159-28398T>C (NM_001282548.2); c.215+16108T>C (NM_001282545.2); c.364+11344T>C (NM_001282549.2).
Identifiers: ClinVar variation 3260423 (VCV003260423.2).

ClinVar aggregate classification (germline): Benign/Likely benign. Review status: criteria provided, multiple submitters, no conflicts (2 of 4 stars). 2 submissions from 2 submitters: Benign (1); Likely benign (1). Last evaluated 2024-07-23.

Conditions:
Hereditary cancer-predisposing syndrome. Also called: Hereditary Cancer Syndrome; Tumor predisposition; Hereditary neoplastic syndrome; Neoplastic Syndromes, Hereditary. Identifiers: Orphanet 140162, MedGen C0027672, MeSH D009386, MONDO:0015356.
Familial cancer of breast. Also called: BREAST CANCER, FAMILIAL; Hereditary breast cancer; hereditary breast carcinoma. Identifiers: Orphanet 227535, MedGen C0346153, MONDO:0016419, OMIM 114480. Disease mechanism: loss of function.

Submissions (2):

Myriad Genetics, Inc.
Classification: Benign for Familial cancer of breast. Last evaluated: 2024-07-23. Review status: criteria provided, single submitter. Criteria: Myriad Autosomal Dominant, Autosomal Recessive and X-Linked Classification Criteria (2023). Collection method: clinical testing. Allele origin: unknown.
Comment: This variant is considered benign. This variant is a silent/synonymous amino acid change and it is not expected to impact splicing.

Ambry Genetics
Classification: Likely benign for Hereditary cancer-predisposing syndrome. Last evaluated: 2024-03-18. Review status: criteria provided, single submitter. Criteria: Ambry Variant Classification Scheme 2023. Collection method: clinical testing. Allele origin: germline.